The following is an entry in ClinVar:

NM_058216.3(RAD51C):c.443T>C (p.Phe148Ser)

Gene: RAD51C (RAD51 paralog C; plus strand). Cytogenetic location: 17q22.
Variant type: single nucleotide variant.
Coding change: c.443T>C on transcript NM_058216.3 (MANE Select); coding-DNA position 443, T replaced by C.
Protein change: p.Phe148Ser; replaces phenylalanine 148 with serine.
Molecular consequence: missense variant.
Genome position (GRCh38, 1-based): chr17:58,696,731, T>C. VCF-style: chr17-58696731-T-C. GRCh37 (hg19) VCF-style: chr17-56774092-T-C.
Other names: c.443T>C (NM_058216.1); short protein forms F148S.
Identifiers: ClinVar variation 220560 (VCV000220560.9), dbSNP rs864622580, ClinGen allele CA350203.

ClinVar aggregate classification (germline): Uncertain significance. Review status: criteria provided, multiple submitters, no conflicts (2 of 4 stars). 3 submissions from 3 submitters: Uncertain significance (3). Last evaluated 2025-10-27.

Conditions:
Hereditary cancer-predisposing syndrome. Also called: Tumor predisposition; Hereditary neoplastic syndrome; Neoplastic Syndromes, Hereditary; Hereditary Cancer Syndrome. Identifiers: Orphanet 140162, MedGen C0027672, MeSH D009386, MONDO:0015356.
Fanconi anemia complementation group O. Also called: RAD51C-Related Fanconi Anemia. Identifiers: Orphanet 84, MedGen C3150653, MONDO:0013248, OMIM 613390.

gnomAD v4.1: 1 of 1,614,186 alleles (0.000062%); no homozygotes.

Submissions (3):

Color Diagnostics, LLC DBA Color Health
Classification: Uncertain significance for Hereditary cancer-predisposing syndrome. Last evaluated: 2025-10-27. Review status: criteria provided, single submitter. Criteria: ACMG Guidelines, 2015. Collection method: clinical testing. Allele origin: germline.
Comment: This missense variant replaces phenylalanine with serine at codon 148 of the RAD51C protein. Computational prediction suggests that this variant may not impact protein structure and function. To our knowledge, functional studies have not been reported for this variant. This variant has not been reported in individuals affected with RAD51C-related disorders in the literature. This variant has been identified in 1/1461878 chromosomes in the general population by the Genome Aggregation Database (gnomAD). The available evidence is insufficient to determine the role of this variant in disease conclusively. Therefore, this variant is classified as a Variant of Uncertain Significance.

Ambry Genetics
Classification: Uncertain significance for Hereditary cancer-predisposing syndrome. Last evaluated: 2024-11-18. Review status: criteria provided, single submitter. Criteria: Ambry Variant Classification Scheme 2023. Collection method: clinical testing. Allele origin: germline.
Comment: The p.F148S variant (also known as c.443T>C), located in coding exon 3 of the RAD51C gene, results from a T to C substitution at nucleotide position 443. The phenylalanine at codon 148 is replaced by serine, an amino acid with highly dissimilar properties. This amino acid position is conserved. In addition, the in silico prediction for this alteration is inconclusive. Based on the available evidence, the clinical significance of this variant remains unclear.

Labcorp Genetics (formerly Invitae), Labcorp
Classification: Uncertain significance for Fanconi anemia complementation group O. Last evaluated: 2024-03-21. Review status: criteria provided, single submitter. Criteria: Invitae Variant Classification Sherloc (09022015). Collection method: clinical testing. Allele origin: germline.
Comment: This sequence change replaces phenylalanine, which is neutral and non-polar, with serine, which is neutral and polar, at codon 148 of the RAD51C protein (p.Phe148Ser). This variant is not present in population databases (gnomAD no frequency). This variant has not been reported in the literature in individuals affected with RAD51C-related conditions. ClinVar contains an entry for this variant (Variation ID: 220560). Advanced modeling of protein sequence and biophysical properties (such as structural, functional, and spatial information, amino acid conservation, physicochemical variation, residue mobility, and thermodynamic stability) performed at Invitae indicates that this missense variant is expected to disrupt RAD51C protein function with a positive predictive value of 80%. In summary, the available evidence is currently insufficient to determine the role of this variant in disease. Therefore, it has been classified as a Variant of Uncertain Significance.